The following is an entry in ClinVar:

NM_001012720.2(RGR):c.667G>A (p.Gly223Ser)

Gene: RGR (retinal G protein coupled receptor; plus strand). Cytogenetic location: 10q23.1.
Variant type: single nucleotide variant.
Coding change: c.667G>A on transcript NM_001012720.2 (MANE Select); coding-DNA position 667, G replaced by A.
Protein change: p.Gly223Ser; replaces glycine 223 with serine.
Molecular consequence: missense variant. On other transcripts: intron variant (1).
Genome position (GRCh38, 1-based): chr10:84,257,929, G>A. VCF-style: chr10-84257929-G-A. GRCh37 (hg19) VCF-style: chr10-86017685-G-A.
Other names: c.679G>A, p.Gly227Ser (NM_002921.4); c.631-579G>A (NM_001012722.2); short protein forms G223S, G227S.
Identifiers: ClinVar variation 1368859 (VCV001368859.9), dbSNP rs778953239, ClinGen allele CA5581541.

ClinVar aggregate classification (germline): Uncertain significance. Review status: criteria provided, multiple submitters, no conflicts (2 of 4 stars). 2 submissions from 2 submitters: Uncertain significance (2). Last evaluated 2022-10-19.

Allele frequency attached by ClinVar (database versions not stated): TOPMed below 0.00001; gnomAD exomes 0.00001; ExAC 0.00002.
gnomAD v4.1: 17 of 1,614,182 alleles (0.0011%); highest among the groups gnomAD compares: South Asian, 0.0022%; no homozygotes.

Submissions (2):

Labcorp Genetics (formerly Invitae), Labcorp
Classification: Uncertain significance. Last evaluated: 2022-10-19. Review status: criteria provided, single submitter. Criteria: Invitae Variant Classification Sherloc (09022015). Collection method: clinical testing. Allele origin: germline.
Comment: This sequence change replaces glycine, which is neutral and non-polar, with serine, which is neutral and polar, at codon 223 of the RGR protein (p.Gly223Ser). This variant is present in population databases (rs778953239, gnomAD 0.002%). This variant has not been reported in the literature in individuals affected with RGR-related conditions. ClinVar contains an entry for this variant (Variation ID: 1368859). Algorithms developed to predict the effect of missense changes on protein structure and function are either unavailable or do not agree on the potential impact of this missense change (SIFT: "Tolerated"; PolyPhen-2: "Not Available"; Align-GVGD: "Class C0"). In summary, the available evidence is currently insufficient to determine the role of this variant in disease. Therefore, it has been classified as a Variant of Uncertain Significance.

Blueprint Genetics
Classification: Uncertain significance. Last evaluated: 2022-09-05. Review status: criteria provided, single submitter. Criteria: ACMG Guidelines, 2015. Collection method: clinical testing. Allele origin: germline.